The following is an entry in ClinVar:

ClinVar aggregate classification (germline): Conflicting classifications of pathogenicity. Review status: criteria provided, conflicting classifications (1 of 4 stars). 3 submissions from 3 submitters: Uncertain significance (2); Likely benign (1). Last evaluated 2025-12-31.

Conditions:
Focal segmental glomerulosclerosis 5 (FSGS5). Identifiers: Orphanet 656, MedGen C2750475, MONDO:0013191, OMIM 613237.
Charcot-Marie-Tooth disease dominant intermediate E. Also called: CHARCOT-MARIE-TOOTH NEUROPATHY WITH FOCAL SEGMENTAL GLOMERULONEPHRITIS. Identifiers: Orphanet 93114, MedGen C4302667, MONDO:0013758, OMIM 614455.

Allele frequency attached by ClinVar (database versions not stated): gnomAD exomes below 0.00001 and 0.00001; TOPMed below 0.00001.
gnomAD v4.1: 1 of 1,535,574 alleles (0.000065%); highest among the groups gnomAD compares: Admixed American, 0.0019%; no homozygotes.

Submissions (3):

Labcorp Genetics (formerly Invitae), Labcorp
Classification: Likely benign for Charcot-Marie-Tooth disease dominant intermediate E; Focal segmental glomerulosclerosis 5. Last evaluated: 2025-12-31. Review status: criteria provided, single submitter. Criteria: Invitae Variant Classification Sherloc (09022015). Collection method: clinical testing. Allele origin: germline.

Mayo Clinic Laboratories, Mayo Clinic
Classification: Uncertain significance. Last evaluated: 2025-11-28. Review status: criteria provided, single submitter. Criteria: ACMG Guidelines, 2015. Collection method: clinical testing. Allele origin: germline. Observed: 1 variant allele.
Comment: BP4_moderate

Fulgent Genetics
Classification: Uncertain significance for Focal segmental glomerulosclerosis 5; Charcot-Marie-Tooth disease dominant intermediate E. Last evaluated: 2024-01-16. Review status: criteria provided, single submitter. Criteria: ACMG Guidelines, 2015. Collection method: clinical testing. Allele origin: germline.

NM_022489.4(INF2):c.3053A>G (p.Asn1018Ser)

Gene: INF2 (inverted formin 2; plus strand). Cytogenetic location: 14q32.33.
Variant type: single nucleotide variant.
Coding change: c.3053A>G on transcript NM_022489.4 (MANE Select); coding-DNA position 3053, A replaced by G.
Protein change: p.Asn1018Ser; replaces asparagine 1018 with serine.
Molecular consequence: missense variant.
Genome position (GRCh38, 1-based): chr14:104,714,215, A>G. VCF-style: chr14-104714215-A-G. GRCh37 (hg19) VCF-style: chr14-105180552-A-G.
Other names: p.Asn1018Ser; c.3053A>G, p.Asn1018Ser (NM_001031714.4); short protein forms N1018S.
Identifiers: ClinVar variation 840042 (VCV000840042.11), dbSNP rs1249757355, ClinGen allele CA391223355.
Genomic context (GRCh38, chr14:104,714,215, plus strand): 5'-GCTCGGGGGCAGGGTGCCTGCCCTTCACTGGTGTGTCCCTCCATCCAGTGGCCACCAGTA[A>G]CCCTGCAGGAGATCCCGTGGGCAGCACGCGCTGTCCCGCCTCTGAGCCCGGCCTTGATGC-3'
Protein context (NP_071934.3, residues 1008-1028): PRATEPVATS[Asn1018Ser]PAGDPVGSTR